The following is an entry in ClinVar:

ClinVar aggregate classification (germline): Likely pathogenic (0 of 4 stars; one submission).

Conditions:
FGFR2-related disorder. Identifiers: MedGen CN380096.

Submission:

PreventionGenetics, part of Exact Sciences
Classification: Likely pathogenic for FGFR2-related condition. Last evaluated: 2024-05-02. Review status: no assertion criteria provided. Collection method: clinical testing. Allele origin: germline.
Comment: The FGFR2 c.857_877del21 variant is predicted to result in an in-frame deletion (p.Pro286_Lys292del). To our knowledge, this variant has not been reported as a germline variant in the literature or in a large population database, indicating this variant is rare. Multiple overlapping in-frame deletions have been reported in individuals with FGFR2-related disorders (c.858_866del, c.865_873del, c.864_881del, see Human Gene Mutation Database). This variant is interpreted as likely pathogenic.

NM_000141.5(FGFR2):c.857_877del (p.Pro286_Lys292del)

Gene: FGFR2 (fibroblast growth factor receptor 2; minus strand). Cytogenetic location: 10q26.13.
Variant type: Deletion.
Coding change: c.857_877del on transcript NM_000141.5 (MANE Select); coding-DNA positions 857 to 877, 21 bases deleted (CCCACATCCAGTGGATCAAGC).
Protein change: p.Pro286_Lys292del.
Molecular consequence: inframe deletion. On other transcripts: inframe indel (2), non-coding transcript variant (1), intron variant (1).
Genome position (GRCh38, 1-based): chr10:121,520,041-121,520,061, GCTTGATCCACTGGATGTGGG deleted on the plus strand (CCCACATCCAGTGGATCAAGC on the coding strand, the reverse complement: FGFR2 is on the minus strand); deleting any 21 consecutive bases within chr10:121,520,041-121,520,064 gives the same sequence; the c. name uses the placement nearest the transcript's 3' end. VCF-style (leftmost placement, unchanged base first): chr10-121520040-TGCTTGATCCACTGGATGTGGG-T. GRCh37 (hg19) VCF-style: chr10-123279554-TGCTTGATCCACTGGATGTGGG-T.
Other names: c.857_877del21 (NM_000141.4); c.857_877del, p.Pro286_Lys292del (NM_001144913.1, NM_001144917.2, NM_001320658.2 and 1 more transcripts); c.590_610del, p.Pro197_Lys203del (NM_001144915.2, NM_001144919.2); c.512_532del, p.Pro171_Lys177del (NM_001144916.2, NM_001144918.2); c.173_193del, p.Pro58_Lys64del (NM_001320654.2); c.587_607del21, p.Pro197_Lys203del (NM_023029.3); c.749-4742_749-4722del (NM_001144914.1).
Identifiers: ClinVar variation 3061415 (VCV003061415.2), dbSNP rs2540116264, ClinGen allele CA2740093558.
Genomic context (GRCh38, chr10:121,520,040, plus strand): 5'-TTGAGAACCTTGAGGTAGGGCAGCCCGTCGGGCCCGTATTTACTGCCGTTCTTTTCCACG[TGCTTGATCCACTGGATGTGGG>T]GCTGGGCATCACTGTAAACCTTGCAGACAAACTCTACGTCTCCTCCGACCACTGTGGAGG-3'